The following is an entry in ClinVar:

NM_024757.5(EHMT1):c.824-20A>C

Gene: EHMT1 (euchromatic histone lysine methyltransferase 1; plus strand). Cytogenetic location: 9q34.3.
Variant type: single nucleotide variant.
Coding change: c.824-20A>C on transcript NM_024757.5 (MANE Select); 20 bases into the intron before coding-DNA position 824, A replaced by C.
Molecular consequence: intron variant.
Genome position (GRCh38, 1-based): chr9:137,743,351, A>C. VCF-style: chr9-137743351-A-C. GRCh37 (hg19) VCF-style: chr9-140637803-A-C.
Other names: c.824-41A>C (NM_001354263.2); c.731-20A>C (NM_001354259.2, NM_001354612.2); c.824-20A>C (NM_001145527.2, NM_001354611.2).
Identifiers: ClinVar variation 3707983 (VCV003707983.2).

ClinVar aggregate classification (germline): Uncertain significance (1 of 4 stars; one submission).

Conditions:
Kleefstra syndrome 1 (KLEFS1). Identifiers: Orphanet 261494, MedGen C0795833, MONDO:0027407, OMIM 610253.

Submission:

Labcorp Genetics (formerly Invitae), Labcorp
Classification: Uncertain significance for Kleefstra syndrome 1. Last evaluated: 2024-10-28. Review status: criteria provided, single submitter. Criteria: Invitae Variant Classification Sherloc (09022015). Collection method: clinical testing. Allele origin: germline.
Comment: This sequence change falls in intron 4 of the EHMT1 gene. It does not directly change the encoded amino acid sequence of the EHMT1 protein. The frequency data for this variant in the population databases is considered unreliable, as metrics indicate poor data quality at this position in the gnomAD database. This variant has not been reported in the literature in individuals affected with EHMT1-related conditions. Algorithms developed to predict the effect of sequence changes on RNA splicing suggest that this variant may create or strengthen a splice site. In summary, the available evidence is currently insufficient to determine the role of this variant in disease. Therefore, it has been classified as a Variant of Uncertain Significance.